The following is an entry in ClinVar:

NM_005228.5(EGFR):c.2961G>A (p.Met987Ile)

Gene: EGFR (epidermal growth factor receptor; plus strand). Cytogenetic location: 7p11.2.
Variant type: single nucleotide variant.
Coding change: c.2961G>A on transcript NM_005228.5 (MANE Select); coding-DNA position 2961, G replaced by A.
Protein change: p.Met987Ile; replaces methionine 987 with isoleucine.
Molecular consequence: missense variant.
Genome position (GRCh38, 1-based): chr7:55,201,202, G>A. VCF-style: chr7-55201202-G-A. GRCh37 (hg19) VCF-style: chr7-55268895-G-A.
Other names: c.2826G>A, p.Met942Ile (NM_001346897.2, NM_001346899.2); c.2961G>A, p.Met987Ile (NM_001346898.2); c.2802G>A, p.Met934Ile (NM_001346900.2); c.2160G>A, p.Met720Ile (NM_001346941.2); short protein forms M720I, M934I, M942I, M987I.
Identifiers: ClinVar variation 4247282 (VCV004247282.2).

ClinVar aggregate classification (germline): Uncertain significance. Review status: criteria provided, multiple submitters, no conflicts (2 of 4 stars). 2 submissions from 2 submitters: Uncertain significance (2). Last evaluated 2025-12-19.

Conditions:
Hereditary cancer-predisposing syndrome. Also called: Hereditary Cancer Syndrome; Hereditary neoplastic syndrome; Neoplastic Syndromes, Hereditary; Tumor predisposition. Identifiers: Orphanet 140162, MedGen C0027672, MeSH D009386, MONDO:0015356.
EGFR-related lung cancer (EGFR). Identifiers: MedGen CN130014.

gnomAD v4.1: 2 of 1,614,176 alleles (0.00012%); highest among the groups gnomAD compares: Middle Eastern, 0.016%; no homozygotes.

Submissions (2):

Labcorp Genetics (formerly Invitae), Labcorp
Classification: Uncertain significance for EGFR-related lung cancer. Last evaluated: 2025-12-19. Review status: criteria provided, single submitter. Criteria: Invitae Variant Classification Sherloc (09022015). Collection method: clinical testing. Allele origin: germline.
Comment: This sequence change replaces methionine, which is neutral and non-polar, with isoleucine, which is neutral and non-polar, at codon 987 of the EGFR protein (p.Met987Ile). This variant is not present in population databases (gnomAD no frequency). This variant has not been reported in the literature in individuals affected with EGFR-related conditions. ClinVar contains an entry for this variant (Variation ID: 4247282). Invitae Evidence Modeling of protein sequence and biophysical properties (such as structural, functional, and spatial information, amino acid conservation, physicochemical variation, residue mobility, and thermodynamic stability) indicates that this missense variant is not expected to disrupt EGFR protein function with a negative predictive value of 80%. In summary, the available evidence is currently insufficient to determine the role of this variant in disease. Therefore, it has been classified as a Variant of Uncertain Significance.

Ambry Genetics
Classification: Uncertain significance for Hereditary cancer-predisposing syndrome. Last evaluated: 2025-06-25. Review status: criteria provided, single submitter. Criteria: Ambry Variant Classification Scheme 2023. Collection method: clinical testing. Allele origin: germline.
Comment: The p.M987I variant (also known as c.2961G>A), located in coding exon 25 of the EGFR gene, results from a G to A substitution at nucleotide position 2961. The methionine at codon 987 is replaced by isoleucine, an amino acid with highly similar properties. This amino acid position is conserved. In addition, the in silico prediction for this alteration is inconclusive. Based on the available evidence, the clinical significance of this variant remains unclear.